The following is an entry in ClinVar:

NM_000548.5(TSC2):c.1045_1083del (p.Tyr349_Leu361del)

Gene: TSC2 (TSC complex subunit 2; plus strand). Cytogenetic location: 16p13.3.
Variant type: Deletion.
Coding change: c.1045_1083del on transcript NM_000548.5 (MANE Select); coding-DNA positions 1045 to 1083, 39 bases deleted.
Protein change: p.Tyr349_Leu361del.
Molecular consequence: inframe deletion. On other transcripts: inframe indel (22).
Genome position (GRCh38, 1-based): chr16:2,060,739-2,060,777, 39 bases deleted; deleting any 39 consecutive bases within chr16:2,060,738-2,060,777 gives the same sequence; the c. name uses the placement nearest the transcript's 3' end. GRCh37 (hg19): chr16:2,110,740-2,110,778.
Other names: c.1045_1083del, p.Tyr349_Leu361del (NM_001077183.3, NM_001114382.3, NM_001363528.2 and 3 more transcripts); c.934_972del, p.Tyr312_Leu324del (NM_001318827.2); c.898_936del, p.Tyr300_Leu312del (NM_001318829.2); c.445_483del, p.Tyr149_Leu161del (NM_001318831.2); c.1078_1116del, p.Tyr360_Leu372del (NM_001318832.2); c.1045_1083del39, p.Tyr349_Leu361del (NM_001406663.1, NM_001406664.1, NM_001406665.1); c.1135_1173del39, p.Tyr379_Leu391del (NM_001406667.1, NM_001406668.1); c.934_972del39, p.Tyr312_Leu324del (NM_001406670.1, NM_001406678.1); and 8 more.
Identifiers: ClinVar variation 2430244 (VCV002430244.1), dbSNP rs2548521307, ClinGen allele CA2580090694.
Genomic context (GRCh38, chr16:2,060,737, plus strand): 5'-CATGTCCGAACGAGGTGGTGTCCTATGAGATCGTCCTGTCCATCACCAGGCTCATCAAGA[AGTATAGGAAGGAGCTCCAGGTGGTGGCGTGGGACATTCT>A]GCTGAACATCATCGAACGGCTCCTTCAGCAGCTCCAGGTGGGGTGGGGGCAGGAGCTCCG-3'

ClinVar aggregate classification (germline): Uncertain significance (1 of 4 stars; one submission).

Conditions:
Tuberous sclerosis 2 (TSC2). Identifiers: Orphanet 805, MedGen C1860707, MONDO:0013199, OMIM 613254.

Submission:

Institute of Human Genetics, University of Leipzig Medical Center
Classification: Uncertain significance for Tuberous sclerosis 2. Last evaluated: 2023-01-31. Review status: criteria provided, single submitter. Criteria: ACMG Guidelines, 2015. Collection method: clinical testing. Allele origin: unknown. Affected: yes.
Comment: _x000D_ Criteria applied: PM4, PM2_SUP, PP4

low grade mosaic in nail, hair and oral mucosa